The following is an entry in ClinVar:

NM_030667.3(PTPRO):c.2256T>C (p.Phe752=)

Gene: PTPRO (protein tyrosine phosphatase receptor type O; plus strand). Cytogenetic location: 12p12.3.
Variant type: single nucleotide variant.
Coding change: c.2256T>C on transcript NM_030667.3 (MANE Select); coding-DNA position 2256, T replaced by C.
Protein change: p.Phe752=; no amino-acid change (phenylalanine 752 retained).
Molecular consequence: synonymous variant. On other transcripts: 5 prime UTR variant (4).
Genome position (GRCh38, 1-based): chr12:15,546,660, T>C. VCF-style: chr12-15546660-T-C. GRCh37 (hg19) VCF-style: chr12-15699594-T-C.
Other names: c.2256T>C, p.Phe752= (NM_002848.4); c.-178T>C (NM_030668.3, NM_030669.3, NM_030670.3 and 1 more transcripts).
Identifiers: ClinVar variation 710130 (VCV000710130.13), dbSNP rs36020879, ClinGen allele CA6466769.
Genomic context (GRCh38, chr12:15,546,660, plus strand): 5'-GAACAAAACCCAGACTTCAGTGACTTTGCTGTGGGTGGAAGAGGGAGTAGCTGATTTCTT[T>C]GAAGTTTTCTGTCAACAAGTTGGCTCCAGTCAGAAAACCAAACTTCAGGTACTGTACCTT-3'
Protein context (NP_109592.1, residues 742-762): LWVEEGVADF[Phe752=]EVFCQQVGSS

ClinVar aggregate classification (germline): Benign/Likely benign. Review status: criteria provided, multiple submitters, no conflicts (2 of 4 stars). 5 submissions from 5 submitters: Benign (1); Likely benign (4). Last evaluated 2026-07-01.

Allele frequency attached by ClinVar (database versions not stated): gnomAD exomes 0.00035 and 0.00093; ExAC 0.00121; 1000 Genomes Project 0.00419; gnomAD 0.00426 and 0.00464; 1000 Genomes Project 30x 0.00453; TOPMed 0.00471; ESP Exome Variant Server 0.00523.
gnomAD v4.1: 1,182 of 1,614,002 alleles (0.073%); highest among the groups gnomAD compares: African/African-American, 1.4%; 9 homozygotes.

Submissions (5):

CeGaT Center for Human Genetics Tuebingen
Classification: Likely benign. Last evaluated: 2026-07-01. Review status: criteria provided, single submitter. Criteria: CeGaT Center For Human Genetics Tuebingen Variant Classification Criteria Version 2. Collection method: clinical testing. Allele origin: germline. Affected: yes. Observed: 1 variant allele.
Comment: PTPRO: BP4, BP7, BS1

Labcorp Genetics (formerly Invitae), Labcorp
Classification: Benign. Last evaluated: 2026-02-01. Review status: criteria provided, single submitter. Criteria: Invitae Variant Classification Sherloc (09022015). Collection method: clinical testing. Allele origin: germline.

Blueprint Genetics
Classification: Likely benign. Last evaluated: 2024-09-23. Review status: criteria provided, single submitter. Criteria: ACMG Guidelines, 2015. Collection method: clinical testing. Allele origin: germline.

GeneDx
Classification: Likely benign. Last evaluated: 2020-04-03. Review status: criteria provided, single submitter. Criteria: GeneDx Variant Classification Process June 2021. Collection method: clinical testing. Allele origin: germline. Affected: yes.

Breakthrough Genomics
Classification: Likely benign. Review status: criteria provided, single submitter. Criteria: ACMG Guidelines, 2015. Collection method: not provided. Allele origin: germline. Inheritance: Autosomal recessive inheritance. Affected: yes.